The following is an entry in ClinVar:

NM_015627.3(LDLRAP1):c.502G>A (p.Ala168Thr)

Gene: LDLRAP1 (low density lipoprotein receptor adaptor protein 1; plus strand). Cytogenetic location: 1p36.11.
Variant type: single nucleotide variant.
Coding change: c.502G>A on transcript NM_015627.3 (MANE Select); coding-DNA position 502, G replaced by A.
Protein change: p.Ala168Thr; replaces alanine 168 with threonine.
Molecular consequence: missense variant.
Genome position (GRCh38, 1-based): chr1:25,562,686, G>A. VCF-style: chr1-25562686-G-A. GRCh37 (hg19) VCF-style: chr1-25889177-G-A.
Other names: short protein forms A168T.
Identifiers: ClinVar variation 1744891 (VCV001744891.9), dbSNP rs939343549, ClinGen allele CA19644242.
Genomic context (GRCh38, chr1:25,562,686, plus strand): 5'-CCCACTTCCTGTTTTCAGGCACAGGCTGTTACCCTCACCGTAGCCCAGGCCTTCAAAGTC[G>A]CCTTTGAGTTTTGGCAGGTGTCCAAGGAAGGTGAGACTTTGCATCTACATTGTGGGTGTG-3'
Protein context (NP_056442.2, residues 158-178): TLTVAQAFKV[Ala168Thr]FEFWQVSKEE

ClinVar aggregate classification (germline): Uncertain significance. Review status: criteria provided, multiple submitters, no conflicts (2 of 4 stars). 4 submissions from 4 submitters: Uncertain significance (4). Last evaluated 2023-04-11.

Conditions:
Cardiovascular phenotype. Identifiers: MedGen CN230736.
Hypercholesterolemia, familial, 4 (FHCL4). Also called: HYPERCHOLESTEROLEMIA, AUTOSOMAL RECESSIVE, 1; HYPERCHOLESTEROLEMIA, AUTOSOMAL RECESSIVE, 2. Identifiers: Orphanet 391665, MedGen C1863512, MONDO:0011374, OMIM 603813.

Allele frequency attached by ClinVar (database versions not stated): gnomAD exomes 0.00001; TOPMed 0.00005.
gnomAD v4.1: 9 of 1,614,166 alleles (0.00056%); highest among the groups gnomAD compares: African/African-American, 0.0027%; no homozygotes.

Submissions (4):

Genome-Nilou Lab
Classification: Uncertain significance for Hypercholesterolemia, familial, 4. Last evaluated: 2023-04-11. Review status: criteria provided, single submitter. Criteria: ACMG Guidelines, 2015. Collection method: clinical testing. Allele origin: germline. Affected: no.

Women's Health and Genetics/Laboratory Corporation of America, LabCorp
Classification: Uncertain significance. Last evaluated: 2023-01-30. Review status: criteria provided, single submitter. Criteria: LabCorp Variant Classification Summary - May 2015. Collection method: clinical testing. Allele origin: germline.
Comment: Variant summary: LDLRAP1 c.502G>A (p.Ala168Thr) results in a non-conservative amino acid change located in the PTB/PI domain (IPR006020) of the encoded protein sequence. Four of five in-silico tools predict a damaging effect of the variant on protein function. The variant allele was found at a frequency of 4e-06 in 251448 control chromosomes. The available data on variant occurrences in the general population are insufficient to allow any conclusion about variant significance. c.502G>A has been reported in the literature in individuals affected with Familial Hypercholesterolemia without strong evidence for causality (Costanzo_2021). This report does not provide unequivocal conclusions about association of the variant with Familial Hypercholesterolemia. To our knowledge, no experimental evidence demonstrating an impact on protein function has been reported. One clinical diagnostic laboratory has submitted clinical-significance assessments for this variant to ClinVar after 2014 and classified the variant as uncertain significance. Based on the evidence outlined above, the variant was classified as uncertain significance.

Labcorp Genetics (formerly Invitae), Labcorp
Classification: Uncertain significance for Hypercholesterolemia, familial, 4. Last evaluated: 2022-02-05. Review status: criteria provided, single submitter. Criteria: Invitae Variant Classification Sherloc (09022015). Collection method: clinical testing. Allele origin: germline.
Comment: This sequence change replaces alanine, which is neutral and non-polar, with threonine, which is neutral and polar, at codon 168 of the LDLRAP1 protein (p.Ala168Thr). This variant is present in population databases (no rsID available, gnomAD 0.0009%). This variant has not been reported in the literature in individuals affected with LDLRAP1-related conditions. Algorithms developed to predict the effect of missense changes on protein structure and function (SIFT, PolyPhen-2, Align-GVGD) all suggest that this variant is likely to be disruptive. In summary, the available evidence is currently insufficient to determine the role of this variant in disease. Therefore, it has been classified as a Variant of Uncertain Significance.

Ambry Genetics
Classification: Uncertain significance for Cardiovascular phenotype. Last evaluated: 2021-10-16. Review status: criteria provided, single submitter. Criteria: Ambry Variant Classification Scheme 2023. Collection method: clinical testing. Allele origin: germline.
Comment: The p.A168T variant (also known as c.502G>A), located in coding exon 5 of the LDLRAP1 gene, results from a G to A substitution at nucleotide position 502. The alanine at codon 168 is replaced by threonine, an amino acid with similar properties. This amino acid position is conserved. In addition, this alteration is predicted to be deleterious by in silico analysis. Since supporting evidence is limited at this time, the clinical significance of this alteration remains unclear.

Literature cited by the submitters: PubMed 34756585 (cited by Women's Health and Genetics/Laboratory Corporation of America, LabCorp).